The following is an entry in ClinVar:

NM_005996.4(TBX3):c.1572C>A (p.Ala524=)

Gene: TBX3 (T-box transcription factor 3; minus strand). Cytogenetic location: 12q24.21.
Variant type: single nucleotide variant.
Coding change: c.1572C>A on transcript NM_005996.4 (MANE Select); coding-DNA position 1572, C replaced by A.
Protein change: p.Ala524=; no amino-acid change (alanine 524 retained).
Molecular consequence: synonymous variant.
Genome position (GRCh38, 1-based): chr12:114,674,303, G>T on the plus strand (C>A on the coding strand, the complement: TBX3 is on the minus strand). VCF-style: chr12-114674303-G-T. GRCh37 (hg19) VCF-style: chr12-115112108-G-T.
Other names: c.1632C>A (NM_016569.3); c.1632C>A, p.Ala544= (NM_016569.4).
Identifiers: ClinVar variation 1658052 (VCV001658052.10), dbSNP rs754628743, ClinGen allele CA6809897.

ClinVar aggregate classification (germline): Likely benign. Review status: criteria provided, single submitter (1 of 4 stars). 2 submissions from 2 submitters: Likely benign (1). 1 of the submissions does not count toward it. Last evaluated 2025-08-17.

Conditions:
TBX3-related disorder. Also called: TBX3-related condition.
Ulnar-mammary syndrome (UMS). Also called: SCHINZEL SYNDROME; PALLISTER ULNAR-MAMMARY SYNDROME; Ulnar-mammary syndrome of Pallister. Identifiers: Orphanet 3138, MedGen C1866994, MONDO:0008411, OMIM 181450.

Allele frequency attached by ClinVar (database versions not stated): gnomAD 0.00001; TOPMed 0.00001; gnomAD exomes 0.00003; ExAC 0.00004.

Submissions (2):

Labcorp Genetics (formerly Invitae), Labcorp
Classification: Likely benign for Ulnar-mammary syndrome. Last evaluated: 2025-08-17. Review status: criteria provided, single submitter. Criteria: Invitae Variant Classification Sherloc (09022015). Collection method: clinical testing. Allele origin: germline.

PreventionGenetics, part of Exact Sciences
Classification: Likely benign for TBX3-related condition. Last evaluated: 2023-03-24. Review status: no assertion criteria provided. Collection method: clinical testing. Allele origin: germline. Not counted in ClinVar's aggregate classification.
Comment: This variant is classified as likely benign based on ACMG/AMP sequence variant interpretation guidelines (Richards et al. 2015 PMID: 25741868, with internal and published modifications).